The following is an entry in ClinVar:

NM_134261.3(RORA):c.116G>A (p.Ser39Asn)

Gene: RORA (RAR related orphan receptor A; minus strand). Cytogenetic location: 15q22.2.
Variant type: single nucleotide variant.
Coding change: c.116G>A on transcript NM_134261.3 (MANE Select); coding-DNA position 116, G replaced by A.
Protein change: p.Ser39Asn; replaces serine 39 with asparagine.
Molecular consequence: missense variant.
Genome position (GRCh38, 1-based): chr15:61,229,103, C>T on the plus strand (G>A on the coding strand, the complement: RORA is on the minus strand). VCF-style: chr15-61229103-C-T. GRCh37 (hg19) VCF-style: chr15-61521302-C-T.
Other names: short protein forms S39N.
Identifiers: ClinVar variation 4887214 (VCV004887214.1).

ClinVar aggregate classification (germline): Uncertain significance (1 of 4 stars; one submission).

gnomAD v4.1: 4 of 1,539,738 alleles (0.00026%); highest among the groups gnomAD compares: Admixed American, 0.004%; no homozygotes.

Submission:

Women's Health and Genetics/Laboratory Corporation of America, LabCorp
Classification: Uncertain significance. Last evaluated: 2026-06-16. Review status: criteria provided, single submitter. Criteria: LabCorp Variant Classification Summary - May 2015. Collection method: clinical testing. Allele origin: germline.
Comment: Variant summary: RORA c.116G>A (p.Ser39Asn) results in a conservative amino acid change in the encoded protein sequence. Algorithms developed to predict the effect of missense changes on protein structure and function all suggest that this variant is likely to be tolerated. The frequency data for this variant in gnomAD is considered unreliable, as metrics indicate poor data quality at this position. To our knowledge, no occurrence of c.116G>A in individuals affected with RORA-related conditions and no experimental evidence demonstrating its impact on protein function have been reported. No submitters have cited clinical-significance assessments for this variant to ClinVar. Based on the evidence outlined above, the variant was classified as uncertain significance.